The following is an entry in ClinVar:

ClinVar aggregate classification (germline): Likely pathogenic (1 of 4 stars; one submission).

Conditions:
GNPTAB-mucolipidosis. Also called: UDP-N-acetylglucosamine-1-phosphotransferase subunit alpha/beta deficiency. Identifiers: MedGen CN322573, MONDO:0100122.

Submission:

Myriad Genetics, Inc.
Classification: Likely pathogenic for GNPTAB-mucolipidosis. Last evaluated: 2021-12-27. Review status: criteria provided, single submitter. Criteria: Myriad Autosomal Dominant, Autosomal Recessive and X-Linked Classification Criteria (2023). Collection method: clinical testing. Allele origin: unknown.
Comment: NM_024312.4(GNPTAB):c.3294_3297delTGAC(D1099Kfs*26) is expected to be pathogenic in the context of GNPTAB-related disorders. This variant is predicted to lead to an abnormal or absent protein product due to the creation of a premature termination codon in GNPTAB, a gene where loss-of-function variants are known to be pathogenic. Please note: this variant was assessed in the context of healthy population screening.

NM_024312.5(GNPTAB):c.3294_3297del (p.Asp1099fs)

Gene: GNPTAB (N-acetylglucosamine-1-phosphate transferase subunits alpha and beta; minus strand). Cytogenetic location: 12q23.2.
Variant type: Deletion.
Coding change: c.3294_3297del on transcript NM_024312.5 (MANE Select); coding-DNA positions 3294 to 3297, 4 bases deleted (TGAC; older notation c.3294_3297delTGAC).
Protein change: p.Asp1099fs; shifts the reading frame from aspartic acid 1099.
Molecular consequence: frameshift variant.
Genome position (GRCh38, 1-based): chr12:101,757,610-101,757,613, GTCA deleted on the plus strand (TGAC on the coding strand, the reverse complement: GNPTAB is on the minus strand); deleting any 4 consecutive bases within chr12:101,757,610-101,757,615 gives the same sequence; the c. name uses the placement nearest the transcript's 3' end. VCF-style (leftmost placement, unchanged base first): chr12-101757609-TGTCA-T. GRCh37 (hg19) VCF-style: chr12-102151387-TGTCA-T.
Other names: short protein forms D1099fs.
Identifiers: ClinVar variation 1726611 (VCV001726611.3), dbSNP rs2547951809, ClinGen allele CA2580085647.